The following is an entry in ClinVar:

ClinVar aggregate classification (germline): Likely benign. Review status: criteria provided, multiple submitters, no conflicts (2 of 4 stars). 3 submissions from 3 submitters: Likely benign (3). Last evaluated 2026-08-13.

Conditions:
PLEC-related disorder. Also called: PLEC-related condition; PLEC-related disorders.
Epidermolysis bullosa simplex, Ogna type (EBS5A). Also called: Pidermolysis bullosa simplex 5A, Ogna type; EPIDERMOLYSIS BULLOSA SIMPLEX 5A, OGNA TYPE. Identifiers: Orphanet 79401, MedGen C0432317, MONDO:0007555, OMIM 131950.
Autosomal recessive limb-girdle muscular dystrophy type 2Q (LGMDR17). Also called: MUSCULAR DYSTROPHY, LIMB-GIRDLE, AUTOSOMAL RECESSIVE 17. Identifiers: Orphanet 254361, MedGen C3150989, MONDO:0013390, OMIM 613723.
Epidermolysis bullosa simplex with nail dystrophy (EBS5D). Identifiers: MedGen C4225309, MONDO:0014661, OMIM 616487.
Epidermolysis bullosa simplex 5C, with pyloric atresia (EBS5C). Also called: PLEC-Related Epidermolysis Bullosa with Pyloric Atresia; Epidermolysis bullosa simplex with pyloric atresia; PLEC1-Related Epidermolysis Bullosa with Pyloric Atresia. Identifiers: Orphanet 158684, MedGen C2677349, MONDO:0012807, OMIM 612138.
Epidermolysis bullosa simplex 5B, with muscular dystrophy (EBS5B). Also called: Epidermolysis bullosa simplex with muscular dystrophy; EPIDERMOLYSIS BULLOSA SIMPLEX AND LIMB-GIRDLE MUSCULAR DYSTROPHY. Identifiers: Orphanet 257, MedGen C2931072, MONDO:0009181, OMIM 226670.

Allele frequency attached by ClinVar (database versions not stated): TOPMed below 0.00001; ExAC 0.00004.
gnomAD v4.1: 41 of 1,612,842 alleles (0.0025%); highest among the groups gnomAD compares: South Asian, 0.015%; no homozygotes.

Submissions (3):

PreventionGenetics, part of Exact Sciences
Classification: Likely benign for PLEC-related condition. Last evaluated: 2026-08-13. Review status: criteria provided, single submitter. Criteria: ACMG Guidelines, 2015. Collection method: clinical testing. Allele origin: germline.
Comment: This variant is classified as likely benign based on ACMG/AMP sequence variant interpretation guidelines (Richards et al. 2015 PMID: 25741868, with internal and published modifications).

Blueprint Genetics
Classification: Likely benign. Last evaluated: 2024-10-23. Review status: criteria provided, single submitter. Criteria: ACMG Guidelines, 2015. Collection method: clinical testing. Allele origin: germline.

Labcorp Genetics (formerly Invitae), Labcorp
Classification: Likely benign for Autosomal recessive limb-girdle muscular dystrophy type 2Q; Epidermolysis bullosa simplex, Ogna type; Epidermolysis bullosa simplex with nail dystrophy; Epidermolysis bullosa simplex 5C, with pyloric atresia; Epidermolysis bullosa simplex 5B, with muscular dystrophy. Last evaluated: 2024-04-11. Review status: criteria provided, single submitter. Criteria: Invitae Variant Classification Sherloc (09022015). Collection method: clinical testing. Allele origin: germline.

NM_201384.3(PLEC):c.12831G>A (p.Thr4277=)

Gene: PLEC (plectin; minus strand). Cytogenetic location: 8q24.3.
Variant type: single nucleotide variant.
Coding change: c.12831G>A on transcript NM_201384.3 (MANE Select); coding-DNA position 12831, G replaced by A.
Protein change: p.Thr4277=; no amino-acid change (threonine 4277 retained).
Molecular consequence: synonymous variant.
Genome position (GRCh38, 1-based): chr8:143,916,990, C>T on the plus strand (G>A on the coding strand, the complement: PLEC is on the minus strand). VCF-style: chr8-143916990-C-T. GRCh37 (hg19) VCF-style: chr8-144991158-C-T.
Other names: c.12912G>A (NM_000445.4); c.12735G>A, p.Thr4245= (NM_201381.3); c.12831G>A, p.Thr4277= (NM_201382.4); c.12843G>A, p.Thr4281= (NM_201383.3); c.12912G>A, p.Thr4304= (NM_000445.5); c.9531G>A, p.Thr3177= (NM_001410941.1); c.12789G>A, p.Thr4263= (NM_201378.4); c.12765G>A, p.Thr4255= (NM_201379.3); and 1 more.
Identifiers: ClinVar variation 2923385 (VCV002923385.5), dbSNP rs782331003, ClinGen allele CA4923970.